The following is an entry in ClinVar:

NM_001177316.2(SLC34A3):c.1247T>C (p.Leu416Pro)

Gene: SLC34A3 (solute carrier family 34 member 3; plus strand). Cytogenetic location: 9q34.3.
Variant type: single nucleotide variant.
Coding change: c.1247T>C on transcript NM_001177316.2 (MANE Select); coding-DNA position 1247, T replaced by C.
Protein change: p.Leu416Pro; replaces leucine 416 with proline.
Molecular consequence: missense variant.
Genome position (GRCh38, 1-based): chr9:137,234,643, T>C. VCF-style: chr9-137234643-T-C. GRCh37 (hg19) VCF-style: chr9-140129095-T-C.
Other names: c.1247T>C, p.Leu416Pro (NM_001177317.2, NM_080877.3); short protein forms L416P.
Identifiers: ClinVar variation 3694687 (VCV003694687.2).
Genomic context (GRCh38, chr9:137,234,643, plus strand): 5'-TGTGGTGACTCCCAGTTCCCCCAGGGGTCGGGGTGATCAGTCTGGACCGGGCGTACCCCC[T>C]CTTACTGGGCTCCAACATCGGCACCACTACCACAGCCCTGCTGGCTGCCCTGGCCAGCCC-3'
Protein context (NP_001170787.2, residues 406-426): GVISLDRAYP[Leu416Pro]LLGSNIGTTT

ClinVar aggregate classification (germline): Uncertain significance (1 of 4 stars; one submission).

gnomAD v4.1: 5 of 1,612,042 alleles (0.00031%); highest among the groups gnomAD compares: Non-Finnish European, 0.00042%; no homozygotes.

Submission:

Labcorp Genetics (formerly Invitae), Labcorp
Classification: Uncertain significance. Last evaluated: 2024-02-06. Review status: criteria provided, single submitter. Criteria: Invitae Variant Classification Sherloc (09022015). Collection method: clinical testing. Allele origin: germline.
Comment: This sequence change replaces leucine, which is neutral and non-polar, with proline, which is neutral and non-polar, at codon 416 of the SLC34A3 protein (p.Leu416Pro). This variant is present in population databases (no rsID available, gnomAD 0.0009%). This variant has not been reported in the literature in individuals affected with SLC34A3-related conditions. Advanced modeling of protein sequence and biophysical properties (such as structural, functional, and spatial information, amino acid conservation, physicochemical variation, residue mobility, and thermodynamic stability) performed at Invitae indicates that this missense variant is expected to disrupt SLC34A3 protein function with a positive predictive value of 80%. In summary, the available evidence is currently insufficient to determine the role of this variant in disease. Therefore, it has been classified as a Variant of Uncertain Significance.